The following is an entry in ClinVar:

ClinVar aggregate classification (germline): Uncertain significance (1 of 4 stars; one submission).

gnomAD v4.1: 2 of 1,610,686 alleles (0.00012%); highest among the groups gnomAD compares: Non-Finnish European, 0.00017%; no homozygotes.

Submission:

Women's Health and Genetics/Laboratory Corporation of America, LabCorp
Classification: Uncertain significance. Last evaluated: 2025-04-23. Review status: criteria provided, single submitter. Criteria: LabCorp Variant Classification Summary - May 2015. Collection method: clinical testing. Allele origin: germline.
Comment: Variant summary: FKBP14 c.590G>C (p.Gly197Ala) results in a non-conservative amino acid change in the encoded protein sequence. Five of five in-silico tools predict a damaging effect of the variant on protein function. The variant was absent in 246714 control chromosomes. The available data on variant occurrences in the general population are insufficient to allow any conclusion about variant significance. To our knowledge, no occurrence of c.590G>C in individuals affected with Ehlers-Danlos syndrome, kyphoscoliotic type, 2 and no experimental evidence demonstrating its impact on protein function have been reported. No submitters have cited clinical-significance assessments for this variant to ClinVar. Based on the evidence outlined above, the variant was classified as uncertain significance.

NM_017946.4(FKBP14):c.590G>C (p.Gly197Ala)

Genes: FKBP14 (FKBP prolyl isomerase 14; minus strand), FKBP14-AS1 (FKBP14 antisense RNA 1; plus strand). Cytogenetic location: 7p14.3.
Variant type: single nucleotide variant.
Coding change: c.590G>C on transcript NM_017946.4 (MANE Select); coding-DNA position 590, G replaced by C.
Protein change: p.Gly197Ala; replaces glycine 197 with alanine.
Molecular consequence: missense variant. On other transcripts: non-coding transcript variant (2).
Genome position (GRCh38, 1-based): chr7:30,014,781, C>G on the plus strand (G>C on the coding strand, the complement: FKBP14 is on the minus strand). VCF-style: chr7-30014781-C-G. GRCh37 (hg19) VCF-style: chr7-30054397-C-G.
Other names: short protein forms G197A.
Identifiers: ClinVar variation 3896679 (VCV003896679.2).